The following is an entry in ClinVar:

ClinVar aggregate classification (germline): Uncertain significance (1 of 4 stars; one submission).

Conditions:
Primary dilated cardiomyopathy (DCM). Also called: Dilated Cardiomyopathy. Identifiers: Orphanet 217604, MedGen C0007193, MeSH D002311, MONDO:0005021, HP:0001644. Inheritance: Various modes of inheritance.

Allele frequency attached by ClinVar (database versions not stated): TOPMed below 0.00001.

Submission:

Labcorp Genetics (formerly Invitae), Labcorp
Classification: Uncertain significance for Primary dilated cardiomyopathy. Last evaluated: 2019-08-23. Review status: criteria provided, single submitter. Criteria: Invitae Variant Classification Sherloc (09022015). Collection method: clinical testing. Allele origin: germline.
Comment: Algorithms developed to predict the effect of missense changes on protein structure and function (SIFT, PolyPhen-2, Align-GVGD) all suggest that this variant is likely to be tolerated, but these predictions have not been confirmed by published functional studies and their clinical significance is uncertain. In summary, the available evidence is currently insufficient to determine the role of this variant in disease. Therefore, it has been classified as a Variant of Uncertain Significance. This variant has not been reported in the literature in individuals with NEBL-related disease. This variant is not present in population databases (ExAC no frequency). This sequence change replaces isoleucine with valine at codon 636 of the NEBL protein (p.Ile636Val). The isoleucine residue is highly conserved and there is a small physicochemical difference between isoleucine and valine.

NM_006393.3(NEBL):c.1906A>G (p.Ile636Val)

Gene: NEBL (nebulette; minus strand). Cytogenetic location: 10p12.31.
Variant type: single nucleotide variant.
Coding change: c.1906A>G on transcript NM_006393.3 (MANE Select); coding-DNA position 1906, A replaced by G.
Protein change: p.Ile636Val; replaces isoleucine 636 with valine.
Molecular consequence: missense variant. On other transcripts: intron variant (9).
Genome position (GRCh38, 1-based): chr10:20,823,264, T>C on the plus strand (A>G on the coding strand, the complement: NEBL is on the minus strand). VCF-style: chr10-20823264-T-C. GRCh37 (hg19) VCF-style: chr10-21112193-T-C.
Other names: c.250-10324A>G (NM_001377326.1, NM_001377327.1, NM_001377328.1); c.358-10324A>G (NM_213569.2, NM_001173484.2, NM_001377322.1); c.301-10324A>G (NM_001377324.1); c.292-10324A>G (NM_001377325.1); c.310-10324A>G (NM_001377323.1); short protein forms I636V.
Identifiers: ClinVar variation 575182 (VCV000575182.11), dbSNP rs1564356559, ClinGen allele CA376095525.